The following is an entry in ClinVar:

ClinVar aggregate classification (germline): Uncertain significance. Review status: criteria provided, multiple submitters, no conflicts (2 of 4 stars). 4 submissions from 4 submitters: Uncertain significance (3). 1 of the submissions does not count toward it. Last evaluated 2022-03-03.

Conditions:
Usher syndrome type 1D (USH1D). Also called: USHER SYNDROME, TYPE ID. Identifiers: Orphanet 231169, Orphanet 886, MedGen C1832845, MONDO:0010984, OMIM 601067.
Pituitary adenoma 5, multiple types. Identifiers: MedGen C4539685, MONDO:0054601, OMIM 617540.
Autosomal recessive nonsyndromic hearing loss 12. Also called: DEAFNESS, AUTOSOMAL RECESSIVE 12. Identifiers: Orphanet 90636, MedGen C1832394, MONDO:0011067, OMIM 601386.
Usher syndrome type 1 (USH1). Also called: RETINITIS PIGMENTOSA AND CONGENITAL DEAFNESS. Identifiers: Orphanet 231169, Orphanet 886, MedGen C1568247, MONDO:0010168, OMIM 276900.

Allele frequency attached by ClinVar (database versions not stated): ExAC 0.00001; gnomAD exomes 0.00001; gnomAD 0.00002 and 0.00003; TOPMed 0.00005.
gnomAD v4.1: 18 of 1,613,914 alleles (0.0011%); highest among the groups gnomAD compares: East Asian, 0.0067%; no homozygotes.

Submissions (4):

Labcorp Genetics (formerly Invitae), Labcorp
Classification: Uncertain significance. Last evaluated: 2022-03-03. Review status: criteria provided, single submitter. Criteria: Invitae Variant Classification Sherloc (09022015). Collection method: clinical testing. Allele origin: germline.
Comment: This sequence change replaces proline, which is neutral and non-polar, with leucine, which is neutral and non-polar, at codon 251 of the CDH23 protein (p.Pro251Leu). This variant is present in population databases (rs746961144, gnomAD 0.008%). This variant has not been reported in the literature in individuals affected with CDH23-related conditions. ClinVar contains an entry for this variant (Variation ID: 228502). Algorithms developed to predict the effect of missense changes on protein structure and function output the following: SIFT: "Deleterious"; PolyPhen-2: "Not Available"; Align-GVGD: "Class C0". The leucine amino acid residue is found in multiple mammalian species, which suggests that this missense change does not adversely affect protein function. In summary, the available evidence is currently insufficient to determine the role of this variant in disease. Therefore, it has been classified as a Variant of Uncertain Significance.

Fulgent Genetics
Classification: Uncertain significance for Usher syndrome type 1D; Autosomal recessive nonsyndromic hearing loss 12; Pituitary adenoma 5, multiple types. Last evaluated: 2021-07-25. Review status: criteria provided, single submitter. Criteria: ACMG Guidelines, 2015. Collection method: clinical testing. Allele origin: unknown.

Laboratory for Molecular Medicine, Mass General Brigham Personalized Medicine
Classification: Uncertain significance. Last evaluated: 2015-05-12. Review status: criteria provided, single submitter. Criteria: LMM Criteria. Collection method: clinical testing. Allele origin: germline. Observed: 1 variant allele.
Comment: Variant classified as Uncertain Significance - Favor Benign. The p.Pro251Leu var iant in CDH23 has not been previously reported in individuals with hearing loss, but has been identified in 1/9806 African chromosomes by the Exome Aggregation Consortium (ExAC). The proline (Pro) at position 251 is not evolutionarily conserved across species, with 2 mammals (dolphin and killer whale) and 10 fish species having a leucine (Leu) at this position. Addi tional computational prediction tools do not provide strong support for or again st an impact to the protein. This variant is located in the last three bases of the exon, which is part of the 5? splice region. Computational tools do not sugg est an impact to splicing; however, this information is not predictive enough to rule out pathogenicity. In summary, while the clinical significance of the p.Pr o251Leu variant is uncertain, the lack of evolutionarily conservation suggests t hat it is more likely to be benign.

Natera, Inc.
Classification: Uncertain significance for Usher syndrome type 1. Last evaluated: 2019-10-28. Review status: no assertion criteria provided. Collection method: clinical testing. Allele origin: germline. Not counted in ClinVar's aggregate classification.

NM_022124.6(CDH23):c.752C>T (p.Pro251Leu)

Gene: CDH23 (cadherin related 23; plus strand). Cytogenetic location: 10q22.1.
Variant type: single nucleotide variant.
Coding change: c.752C>T on transcript NM_022124.6 (MANE Select); coding-DNA position 752, C replaced by T.
Protein change: p.Pro251Leu; replaces proline 251 with leucine.
Molecular consequence: missense variant.
Genome position (GRCh38, 1-based): chr10:71,570,917, C>T. VCF-style: chr10-71570917-C-T. GRCh37 (hg19) VCF-style: chr10-73330674-C-T.
Other names: c.752C>T, p.Pro251Leu (NM_001171930.2, NM_001171931.2, NM_001171932.2 and 1 more transcripts); short protein forms P251L.
Identifiers: ClinVar variation 228502 (VCV000228502.10), dbSNP rs746961144, ClinGen allele CA5543528.
Genomic context (GRCh38, chr10:71,570,917, plus strand): 5'-ACATGGACCCCATCTTCATCAACCTGCCTTACAGCACCAACATCTACGAGCATTCTCCTC[C>T]GGTAAGACTCCTGGCCCTTCCTTCTCAGAAGTCCCTTCTCAGAGGGACTTCCTTCTGAGC-3'
Protein context (NP_071407.4, residues 241-261): YSTNIYEHSP[Pro251Leu]GTTVRIITAI